The following is an entry in ClinVar:

NM_182972.3(IRF2BP2):c.1021GCCAACGGG[1] (p.341ANG[1])

Genes: IRF2BP2 (interferon regulatory factor 2 binding protein 2; minus strand), LOC129932810 (ATAC-STARR-seq lymphoblastoid active region 2760; plus strand). Cytogenetic location: 1q42.3.
Variant type: Microsatellite.
Coding change: c.1021GCCAACGGG[1] on transcript NM_182972.3 (MANE Select); one copy of the 9-base unit GCCAACGGG starting at c.1021; the reference has two copies in a row; one copy, 9 bases deleted.
Protein change: p.341ANG[1].
Molecular consequence: inframe deletion. On other transcripts: intron variant (1).
Genome position (GRCh38, 1-based): chr1:234,608,457-234,608,465, CCCGTTGGC deleted on the plus strand (GCCAACGGG on the coding strand, the reverse complement: IRF2BP2 is on the minus strand); deleting any 9 consecutive bases within chr1:234,608,457-234,608,475 gives the same sequence; the position shown is the placement nearest the transcript's 3' end. VCF-style (leftmost placement, unchanged base first): chr1-234608456-ACCCGTTGGC-A. GRCh37 (hg19) VCF-style: chr1-234744202-ACCCGTTGGC-A.
Other names: c.1000+30_1000+38del (NM_001077397.1).
Identifiers: ClinVar variation 1392207 (VCV001392207.8), dbSNP rs551125252, ClinGen allele CA1461693.

ClinVar aggregate classification (germline): Uncertain significance. Review status: criteria provided, multiple submitters, no conflicts (2 of 4 stars). 2 submissions from 2 submitters: Uncertain significance (2). Last evaluated 2025-11-10.

Submissions (2):

Labcorp Genetics (formerly Invitae), Labcorp
Classification: Uncertain significance. Last evaluated: 2025-11-10. Review status: criteria provided, single submitter. Criteria: Invitae Variant Classification Sherloc (09022015). Collection method: clinical testing. Allele origin: germline.
Comment: This variant, c.1030_1038del, results in the deletion of 3 amino acid(s) of the IRF2BP2 protein (p.Ala344_Gly346del), but otherwise preserves the integrity of the reading frame. This variant is present in population databases (rs551125252, gnomAD 0.06%), and has an allele count higher than expected for a pathogenic variant. This variant has not been reported in the literature in individuals affected with IRF2BP2-related conditions. Experimental studies and prediction algorithms are not available or were not evaluated, and the functional significance of this variant is currently unknown. In summary, the available evidence is currently insufficient to determine the role of this variant in disease. Therefore, it has been classified as a Variant of Uncertain Significance.

Institute for Clinical Genetics, University Hospital TU Dresden, University Hospital TU Dresden
Classification: Uncertain significance. Last evaluated: 2022-11-22. Review status: criteria provided, single submitter. Criteria: ACMG Guidelines, 2015. Collection method: clinical testing. Allele origin: germline.
Comment: PM4, PM2_SUP